The following is an entry in ClinVar:

NM_001349206.2(LPIN1):c.635T>C (p.Ile212Thr)

Gene: LPIN1 (lipin 1; plus strand). Cytogenetic location: 2p25.1.
Variant type: single nucleotide variant.
Coding change: c.635T>C on transcript NM_001349206.2 (MANE Select); coding-DNA position 635, T replaced by C.
Protein change: p.Ile212Thr; replaces isoleucine 212 with threonine.
Molecular consequence: missense variant. On other transcripts: non-coding transcript variant (1).
Genome position (GRCh38, 1-based): chr2:11,773,658, T>C. VCF-style: chr2-11773658-T-C. GRCh37 (hg19) VCF-style: chr2-11913784-T-C.
Other names: c.653T>C, p.Ile218Thr (NM_001261427.3); c.782T>C, p.Ile261Thr (NM_001261428.3, NM_001349208.2); c.635T>C, p.Ile212Thr (NM_001349199.2, NM_001349200.2, NM_001349201.2 and 5 more transcripts); c.725T>C, p.Ile242Thr (NM_001349207.2); short protein forms I218T, I261T, I242T, I212T.
Identifiers: ClinVar variation 2076515 (VCV002076515.4), dbSNP rs775439644, ClinGen allele CA1533475.
Genomic context (GRCh38, chr2:11,773,658, plus strand): 5'-AATCTTTTTTTTTTTCCTCCAGAACTCTTCCTAATGATATACCTCCATTCCAAGATGATA[T>C]TCCTGAGGAAAACCTCTCCCTGGCTGTGATTTACCCTCAGTCAGCCTCATACCCTAATTC-3'
Protein context (NP_001336135.1, residues 202-222): PNDIPPFQDD[Ile212Thr]PEENLSLAVI

ClinVar aggregate classification (germline): Uncertain significance (1 of 4 stars; one submission).

Allele frequency attached by ClinVar (database versions not stated): gnomAD exomes below 0.00001; TOPMed 0.00001; ExAC 0.00001.
gnomAD v4.1: 5 of 1,612,454 alleles (0.00031%); highest among the groups gnomAD compares: Admixed American, 0.0017%; no homozygotes.

Submission:

Labcorp Genetics (formerly Invitae), Labcorp
Classification: Uncertain significance. Last evaluated: 2022-04-06. Review status: criteria provided, single submitter. Criteria: Invitae Variant Classification Sherloc (09022015). Collection method: clinical testing. Allele origin: germline.
Comment: This variant has not been reported in the literature in individuals affected with LPIN1-related conditions. This variant is present in population databases (rs775439644, gnomAD 0.0009%). This sequence change replaces isoleucine, which is neutral and non-polar, with threonine, which is neutral and polar, at codon 212 of the LPIN1 protein (p.Ile212Thr). Algorithms developed to predict the effect of missense changes on protein structure and function are either unavailable or do not agree on the potential impact of this missense change (SIFT: "Deleterious"; PolyPhen-2: "Benign"; Align-GVGD: "Class C0"). In summary, the available evidence is currently insufficient to determine the role of this variant in disease. Therefore, it has been classified as a Variant of Uncertain Significance.